The following is an entry in ClinVar:

NM_001113491.2(SEPTIN9):c.791C>T (p.Ala264Val)

Gene: SEPTIN9 (septin 9; plus strand). Cytogenetic location: 17q25.3.
Variant type: single nucleotide variant.
Coding change: c.791C>T on transcript NM_001113491.2 (MANE Select); coding-DNA position 791, C replaced by T.
Protein change: p.Ala264Val; replaces alanine 264 with valine.
Molecular consequence: missense variant.
Genome position (GRCh38, 1-based): chr17:77,482,213, C>T. VCF-style: chr17-77482213-C-T. GRCh37 (hg19) VCF-style: chr17-75478295-C-T.
Other names: c.299C>T, p.Ala100Val (NM_001113492.2, NM_001113494.1); c.770C>T, p.Ala257Val (NM_001113493.2); c.38C>T, p.Ala13Val (NM_001113495.2, NM_001113496.2, NM_001293697.2 and 1 more transcripts); c.734C>T, p.Ala245Val (NM_001293695.2); c.119C>T, p.Ala40Val (NM_001293696.2); c.737C>T, p.Ala246Val (NM_006640.5); short protein forms A100V, A13V, A245V, A246V, A257V, A264V, A40V.
Identifiers: ClinVar variation 1682623 (VCV001682623.10), dbSNP rs745391514, ClinGen allele CA8793525.

ClinVar aggregate classification (germline): Conflicting classifications of pathogenicity. Review status: criteria provided, conflicting classifications (1 of 4 stars). 3 submissions from 3 submitters: Uncertain significance (1); Likely benign (2). Last evaluated 2025-09-19.

Conditions:
Inborn genetic diseases. Identifiers: MedGen C0950123, MeSH D030342.

Allele frequency attached by ClinVar (database versions not stated): gnomAD exomes 0.00004 and below 0.00001; TOPMed below 0.00001; ExAC 0.00001.
gnomAD v4.1: 52 of 1,612,130 alleles (0.0032%); highest among the groups gnomAD compares: Non-Finnish European, 0.0043%; no homozygotes.

Submissions (3):

Labcorp Genetics (formerly Invitae), Labcorp
Classification: Likely benign. Last evaluated: 2025-09-19. Review status: criteria provided, single submitter. Criteria: Invitae Variant Classification Sherloc (09022015). Collection method: clinical testing. Allele origin: germline.

Ambry Genetics
Classification: Likely benign for Inborn genetic diseases. Last evaluated: 2025-08-30. Review status: criteria provided, single submitter. Criteria: Ambry Variant Classification Scheme 2023. Collection method: clinical testing. Allele origin: germline.

GeneDx
Classification: Uncertain significance. Last evaluated: 2022-01-19. Review status: criteria provided, single submitter. Criteria: GeneDx Variant Classification Process June 2021. Collection method: clinical testing. Allele origin: germline. Affected: yes.
Comment: Not observed at significant frequency in large population cohorts (gnomAD); In silico analysis supports that this missense variant does not alter protein structure/function; Has not been previously published as pathogenic or benign to our knowledge